The following is an entry in ClinVar:

NM_000051.4(ATM):c.3336T>A (p.Pro1112=)

Gene: ATM (ATM serine/threonine kinase; plus strand). Cytogenetic location: 11q22.3.
Variant type: single nucleotide variant.
Coding change: c.3336T>A on transcript NM_000051.4 (MANE Select); coding-DNA position 3336, T replaced by A.
Protein change: p.Pro1112=; no amino-acid change (proline 1112 retained).
Molecular consequence: synonymous variant.
Genome position (GRCh38, 1-based): chr11:108,279,542, T>A. VCF-style: chr11-108279542-T-A. GRCh37 (hg19) VCF-style: chr11-108150269-T-A.
Other names: c.3336T>A, p.Pro1112= (NM_001351834.2).
Identifiers: ClinVar variation 215582 (VCV000215582.25), dbSNP rs758784434, ClinGen allele CA337189.
Genomic context (GRCh38, chr11:108,279,542, plus strand): 5'-TGTTTTAAGATTGTTCCAGGACACGAAGGGAGATTCTTCCAGGTTACTGAAAGCACTTCC[T>A]TTGAAGCTTCAGCAAACAGCTTTTGAAAATGCATACTTGAAAGCTCAGGAAGGAATGAGA-3'
Protein context (NP_000042.3, residues 1102-1122): GDSSRLLKAL[Pro1112=]LKLQQTAFEN

ClinVar aggregate classification (germline): Benign/Likely benign. Review status: criteria provided, multiple submitters, no conflicts (2 of 4 stars). 11 submissions from 11 submitters: Benign (2); Likely benign (7). 2 of the submissions do not count toward it. Last evaluated 2025-11-02.

Conditions:
ATM-related disorder. Also called: ATM-related disorders; ATM-related condition.
Hereditary cancer-predisposing syndrome. Also called: Neoplastic Syndromes, Hereditary; Tumor predisposition; Hereditary Cancer Syndrome; Hereditary neoplastic syndrome. Identifiers: Orphanet 140162, MedGen C0027672, MeSH D009386, MONDO:0015356.
Familial cancer of breast. Also called: BREAST CANCER, FAMILIAL; Hereditary breast cancer; hereditary breast carcinoma. Identifiers: Orphanet 227535, MedGen C0346153, MONDO:0016419, OMIM 114480. Disease mechanism: loss of function.
Ataxia-telangiectasia syndrome (AT). Also called: Cerebello-oculocutaneous telangiectasia; Immunodeficiency with ataxia telangiectasia; AT, COMPLEMENTATION GROUP C; ATAXIA-TELANGIECTASIA, COMPLEMENTATION GROUP A; ATAXIA-TELANGIECTASIA, FRESNO VARIANT; Ataxia-telangiectasia. Identifiers: Orphanet 100, MedGen C0004135, MONDO:0008840, OMIM 208900.

Allele frequency attached by ClinVar (database versions not stated): gnomAD 0.00001; ExAC 0.00002; gnomAD exomes 0.00002 and 0.00003; TOPMed 0.00003.
gnomAD v4.1: 31 of 1,613,736 alleles (0.0019%); highest among the groups gnomAD compares: Admixed American, 0.013%; no homozygotes.

Submissions (11):

Labcorp Genetics (formerly Invitae), Labcorp
Classification: Likely benign for Ataxia-telangiectasia syndrome. Last evaluated: 2025-11-02. Review status: criteria provided, single submitter. Criteria: Invitae Variant Classification Sherloc (09022015). Collection method: clinical testing. Allele origin: germline.

Blueprint Genetics
Classification: Likely benign. Last evaluated: 2024-08-14. Review status: criteria provided, single submitter. Criteria: ACMG Guidelines, 2015. Collection method: clinical testing. Allele origin: germline.

Women's Health and Genetics/Laboratory Corporation of America, LabCorp
Classification: Likely benign. Last evaluated: 2024-06-29. Review status: criteria provided, single submitter. Criteria: LabCorp Variant Classification Summary - May 2015. Collection method: clinical testing. Allele origin: germline.

Myriad Genetics, Inc.
Classification: Benign for Familial cancer of breast. Last evaluated: 2024-05-14. Review status: criteria provided, single submitter. Criteria: Myriad Autosomal Dominant, Autosomal Recessive and X-Linked Classification Criteria (2023). Collection method: clinical testing. Allele origin: unknown.
Comment: This variant is considered benign. This variant is a silent/synonymous amino acid change and it is not expected to impact splicing.

Institute for Biomarker Research, Medical Diagnostic Laboratories, L.L.C.
Classification: Likely benign for Hereditary cancer-predisposing syndrome. Last evaluated: 2023-04-18. Review status: criteria provided, single submitter. Criteria: ACMG Guidelines, 2015. Collection method: clinical testing. Allele origin: germline.

Department of Pathology and Laboratory Medicine, Sinai Health System
Classification: Likely benign for Familial cancer of breast. Last evaluated: 2020-12-22. Review status: criteria provided, single submitter. Criteria: ACMG Guidelines, 2015. Collection method: clinical testing. Allele origin: germline. Affected: yes.

Color Diagnostics, LLC DBA Color Health
Classification: Likely benign for Hereditary cancer-predisposing syndrome. Last evaluated: 2016-12-18. Review status: criteria provided, single submitter. Criteria: ACMG Guidelines, 2015. Collection method: clinical testing. Allele origin: germline.

GeneDx
Classification: Benign. Last evaluated: 2015-08-21. Review status: criteria provided, single submitter. Criteria: GeneDx Variant Classification (06012015). Collection method: clinical testing. Allele origin: germline. Affected: yes.
Comment: This variant is considered likely benign or benign based on one or more of the following criteria: it is a conservative change, it occurs at a poorly conserved position in the protein, it is predicted to be benign by multiple in silico algorithms, and/or has population frequency not consistent with disease.

Ambry Genetics
Classification: Likely benign for Hereditary cancer-predisposing syndrome. Last evaluated: 2015-02-09. Review status: criteria provided, single submitter. Criteria: Ambry Variant Classification Scheme 2023. Collection method: clinical testing. Allele origin: germline.

PreventionGenetics, part of Exact Sciences
Classification: Likely benign for ATM-related condition. Last evaluated: 2019-04-25. Review status: no assertion criteria provided. Collection method: clinical testing. Allele origin: germline. Not counted in ClinVar's aggregate classification.
Comment: This variant is classified as likely benign based on ACMG/AMP sequence variant interpretation guidelines (Richards et al. 2015 PMID: 25741868, with internal and published modifications).

Counsyl
Classification: Likely benign for Ataxia-telangiectasia syndrome. Last evaluated: 2018-01-18. Review status: no assertion criteria provided. Collection method: clinical testing. Allele origin: unknown. Not counted in ClinVar's aggregate classification.